The following is an entry in ClinVar:

ClinVar aggregate classification (germline): Uncertain significance (1 of 4 stars; one submission).

Conditions:
Familial cancer of breast. Also called: hereditary breast carcinoma; Hereditary breast cancer; BREAST CANCER, FAMILIAL. Identifiers: Orphanet 227535, MedGen C0346153, MONDO:0016419, OMIM 114480. Disease mechanism: loss of function.

Submission:

Labcorp Genetics (formerly Invitae), Labcorp
Classification: Uncertain significance for Familial cancer of breast. Last evaluated: 2021-08-31. Review status: criteria provided, single submitter. Criteria: Invitae Variant Classification Sherloc (09022015). Collection method: clinical testing. Allele origin: germline.
Comment: In summary, the available evidence is currently insufficient to determine the role of this variant in disease. Therefore, it has been classified as a Variant of Uncertain Significance. This variant has not been reported in the literature in individuals affected with BARD1-related conditions. This variant is a gross deletion of the genomic region encompassing exon(s) 4-9 of the BARD1 gene. This variant would be expected to be in-frame, preserving the integrity of the reading frame.

NC_000002.11:g.(?_215609781)_(215646243_?)del

Gene: BARD1 (BRCA1 associated RING domain 1; minus strand). Cytogenetic location: 2q35.
Variant type: Deletion.
Identifiers: ClinVar variation 1372984 (VCV001372984.5).